The following is an entry in ClinVar:

ClinVar aggregate classification (germline): Uncertain significance (1 of 4 stars; one submission).

Submission:

GeneDx
Classification: Uncertain significance. Last evaluated: 2023-11-27. Review status: criteria provided, single submitter. Criteria: GeneDx Variant Classification Process June 2021. Collection method: clinical testing. Allele origin: germline. Affected: yes.
Comment: Not observed at significant frequency in large population cohorts (gnomAD); In silico analysis supports that this missense variant has a deleterious effect on protein structure/function; Has not been previously published as pathogenic or benign to our knowledge

NM_003185.4(TAF4):c.2608G>A (p.Glu870Lys)

Gene: TAF4 (TATA-box binding protein associated factor 4; minus strand). Cytogenetic location: 20q13.33.
Variant type: single nucleotide variant.
Coding change: c.2608G>A on transcript NM_003185.4 (MANE Select); coding-DNA position 2608, G replaced by A.
Protein change: p.Glu870Lys; replaces glutamic acid 870 with lysine.
Molecular consequence: missense variant.
Genome position (GRCh38, 1-based): chr20:62,000,600, C>T on the plus strand (G>A on the coding strand, the complement: TAF4 is on the minus strand). VCF-style: chr20-62000600-C-T. GRCh37 (hg19) VCF-style: chr20-60575656-C-T.
Other names: short protein forms E870K.
Identifiers: ClinVar variation 3364977 (VCV003364977.1).